The following is an entry in ClinVar:

NM_017841.4(SDHAF2):c.362G>A (p.Trp121Ter)

Gene: SDHAF2 (succinate dehydrogenase complex assembly factor 2; plus strand). Cytogenetic location: 11q12.2.
Variant type: single nucleotide variant.
Coding change: c.362G>A on transcript NM_017841.4 (MANE Select); coding-DNA position 362, G replaced by A.
Protein change: p.Trp121Ter; replaces tryptophan 121 with a stop codon.
Molecular consequence: nonsense.
Genome position (GRCh38, 1-based): chr11:61,438,105, G>A. VCF-style: chr11-61438105-G-A. GRCh37 (hg19) VCF-style: chr11-61205577-G-A.
Other names: short protein forms W121*.
Identifiers: ClinVar variation 1044850 (VCV001044850.14), dbSNP rs1862017197, ClinGen allele CA380684237.

ClinVar aggregate classification (germline): Conflicting classifications of pathogenicity. Review status: criteria provided, conflicting classifications (1 of 4 stars). 3 submissions from 3 submitters: Pathogenic (1); Likely pathogenic (1); Uncertain significance (1). Last evaluated 2026-03-30.

Conditions:
Hereditary cancer-predisposing syndrome. Also called: Neoplastic Syndromes, Hereditary; Tumor predisposition; Hereditary Cancer Syndrome; Hereditary neoplastic syndrome. Identifiers: Orphanet 140162, MedGen C0027672, MeSH D009386, MONDO:0015356.
Hereditary pheochromocytoma and paraganglioma. Also called: Hereditary paragangliomas and pheochromocytomas; Hereditary Paraganglioma-Pheochromocytoma Syndromes; Hereditary pheochromocytoma-paraganglioma. Identifiers: Orphanet 29072, MedGen C4274332, MONDO:0017366.

Submissions (3):

GeneDx
Classification: Likely pathogenic. Last evaluated: 2026-03-30. Review status: criteria provided, single submitter. Criteria: GeneDx Variant Classification Process June 2021. Collection method: clinical testing. Allele origin: germline.
Comment: Nonsense variant predicted to result in protein truncation, as the last 46 amino acid(s) are lost, and other loss-of-function variants have been reported downstream in HGMD; Not observed at significant frequency in large population cohorts (gnomAD); This variant is associated with the following publications: (PMID: 26269449)

Labcorp Genetics (formerly Invitae), Labcorp
Classification: Uncertain significance for Hereditary pheochromocytoma and paraganglioma. Last evaluated: 2025-09-03. Review status: criteria provided, single submitter. Criteria: Invitae Variant Classification Sherloc (09022015). Collection method: clinical testing. Allele origin: germline.
Comment: This sequence change creates a premature translational stop signal (p.Trp121*) in the SDHAF2 gene. While this is not anticipated to result in nonsense mediated decay, it is expected to disrupt the last 46 amino acid(s) of the SDHAF2 protein. This variant is not present in population databases (gnomAD no frequency). This premature translational stop signal has been observed in individual(s) with paraganglioma (PMID: 26269449). ClinVar contains an entry for this variant (Variation ID: 1044850). In summary, the available evidence is currently insufficient to determine the role of this variant in disease. Therefore, it has been classified as a Variant of Uncertain Significance.

Ambry Genetics
Classification: Pathogenic for Hereditary cancer-predisposing syndrome. Last evaluated: 2025-05-29. Review status: criteria provided, single submitter. Criteria: Ambry Variant Classification Scheme 2023. Collection method: clinical testing. Allele origin: germline.
Comment: The p.W121* pathogenic mutation (also known as c.362G>A), located in coding exon 3 of the SDHAF2 gene, results from a G to A substitution at nucleotide position 362. This changes the amino acid from a tryptophan to a stop codon within coding exon 3. This alteration occurs at the 3' terminus of theSDHAF2 gene, is not expected to trigger nonsense-mediated mRNA decay, and only impacts the last 46 amino acids of the protein. However, premature stop codons are typically deleterious in nature and a significant portion of the protein is affected (Ambry internal data). Based on internal structural analysis, this mutation removes a large portion of the SDHAF2-SDHA interface and is likely to disrupt protein function and stability (Hao HX et al. Science, 2009 Aug;325:1139-42; Eletsky A et al. Biochemistry, 2012 Oct;51:8475-7; Sharma P et al. Proc Natl Acad Sci U S A, 2020 Sep;117:23548-23556). This variant is considered to be rare based on population cohorts in the Genome Aggregation Database (gnomAD). Based on the supporting evidence, this alteration is interpreted as a disease-causing mutation.

Literature cited by the submitters: PubMed 26269449 (cited by Labcorp Genetics (formerly Invitae), Labcorp and Ambry Genetics).